The following is an entry in ClinVar:

ClinVar aggregate classification (germline): Likely pathogenic (1 of 4 stars; one submission).

Conditions:
ALG9-associated autosomal dominant polycystic kidney disease. Identifiers: MedGen CN305626, MONDO:0700000.

gnomAD v4.1: 1 of 1,612,578 alleles (0.000062%); highest among the groups gnomAD compares: Non-Finnish European, 0.000085%; no homozygotes.

Submission:

Victorian Clinical Genetics Services, Murdoch Childrens Research Institute
Classification: Likely pathogenic for ALG9-associated autosomal dominant polycystic kidney disease. Last evaluated: 2025-03-17. Review status: criteria provided, single submitter. Criteria: ACMG Guidelines, 2015. Collection method: clinical testing. Allele origin: germline. Affected: yes.
Comment: This variant is classified as Likely pathogenic. Evidence in support of pathogenic classification: Variant is predicted to cause nonsense-mediated decay (NMD) and loss of protein (premature termination codon is located at least 54 nucleotides upstream of the final exon-exon junction); Variant is present in gnomAD <0.01 (v4: 1 heterozygote(s), 0 homozygote(s)); Other NMD-predicted variant(s) comparable to the one identified in this case have strong previous evidence for pathogenicity (DECIPHER; PMID: 32398770, 31395617). Additional information: This variant is heterozygous; This gene is associated with both recessive and dominant disease. Biallelic missense variants are associated with congenital disorder of glycosylation, type Il (MIM#608776), whilst biallelic null variants are associated with Gillessen-Kaesbach-Nishimura syndrome (MIM#263210). Heterozygous variants are associated with a form of polycystic kidney disease with incomplete penetrance (PMID: 31395617); This variant has no previous evidence of pathogenicity; No published segregation evidence has been identified for this variant; No published functional evidence has been identified for this variant; Loss of function is a known mechanism of disease in this gene and is associated with congenital disorder of glycosylation, type II (MIM#608776), Gillessen-Kaesbach-Nishimura syndrome (MIM#263210) and ALG9-associated autosomal dominant polycystic kidney disease (MONDO:0700000); The condition associated with this gene has incomplete penetrance for ADPKD (PMID: 31395617); Inheritance information for this variant is not currently available in this individual.

Literature cited by the submitters: PubMed 32398770; PubMed 31395617.

NM_024740.2(ALG9):c.213T>A (p.Cys71Ter)

Gene: ALG9 (ALG9 alpha-1,2-mannosyltransferase; minus strand). Cytogenetic location: 11q23.1.
Variant type: single nucleotide variant.
Coding change: c.213T>A on transcript NM_024740.2 (MANE Select); coding-DNA position 213, T replaced by A.
Protein change: p.Cys71Ter; replaces cysteine 71 with a stop codon.
Molecular consequence: nonsense. On other transcripts: 5 prime UTR variant (14), non-coding transcript variant (1), intron variant (1).
Genome position (GRCh38, 1-based): chr11:111,870,289, A>T on the plus strand (T>A on the coding strand, the complement: ALG9 is on the minus strand). VCF-style: chr11-111870289-A-T. GRCh37 (hg19) VCF-style: chr11-111741012-A-T.
Other names: c.213T>A, p.Cys71Ter (NM_001077690.1, NM_001352417.1, NM_001352418.1 and 4 more transcripts); c.-301T>A (NM_001077691.2, NM_001077692.2, NM_001352412.2 and 5 more transcripts); c.-305T>A (NM_001352410.1, NM_001352411.2, NM_001352413.1 and 2 more transcripts); c.-519T>A (NM_001352422.2); c.-244+1063T>A (NM_001352409.1); short protein forms C71*.
Identifiers: ClinVar variation 4531721 (VCV004531721.1).